The following is an entry in ClinVar:

NM_199242.3(UNC13D):c.1544+20G>A

Gene: UNC13D (unc-13 homolog D; minus strand). Cytogenetic location: 17q25.1.
Variant type: single nucleotide variant.
Coding change: c.1544+20G>A on transcript NM_199242.3 (MANE Select); 20 bases into the intron after coding-DNA position 1544, G replaced by A.
Molecular consequence: intron variant.
Genome position (GRCh38, 1-based): chr17:75,835,992, C>T on the plus strand (G>A on the coding strand, the complement: UNC13D is on the minus strand). VCF-style: chr17-75835992-C-T. GRCh37 (hg19) VCF-style: chr17-73832073-C-T.
Identifiers: ClinVar variation 1966024 (VCV001966024.2), dbSNP rs767577068, ClinGen allele CA8772939.

ClinVar aggregate classification (germline): Uncertain significance (1 of 4 stars; one submission).

Conditions:
Familial hemophagocytic lymphohistiocytosis 3 (FHL3). Also called: UNC13D-Related Familial Hemophagocytic Lymphohistiocytosis (UNC13D-fHLH). Identifiers: Orphanet 540, MedGen C1837174, MONDO:0012146, OMIM 608898.

Allele frequency attached by ClinVar (database versions not stated): ExAC 0.00001; gnomAD exomes 0.00001; gnomAD 0.00003.

Submission:

Labcorp Genetics (formerly Invitae), Labcorp
Classification: Uncertain significance for Familial hemophagocytic lymphohistiocytosis 3. Last evaluated: 2022-08-22. Review status: criteria provided, single submitter. Criteria: Invitae Variant Classification Sherloc (09022015). Collection method: clinical testing. Allele origin: germline.
Comment: This sequence change falls in intron 17 of the UNC13D gene. It does not directly change the encoded amino acid sequence of the UNC13D protein. This variant is present in population databases (rs767577068, gnomAD 0.007%). This variant has not been reported in the literature in individuals affected with UNC13D-related conditions. Algorithms developed to predict the effect of sequence changes on RNA splicing suggest that this variant may create or strengthen a splice site. In summary, the available evidence is currently insufficient to determine the role of this variant in disease. Therefore, it has been classified as a Variant of Uncertain Significance.